The following is an entry in ClinVar:

ClinVar aggregate classification (germline): Conflicting classifications of pathogenicity. Review status: criteria provided, conflicting classifications (1 of 4 stars). 10 submissions from 10 submitters: Uncertain significance (4); Benign (1); Likely benign (5). Last evaluated 2026-07-17.

Conditions:
Hereditary nonpolyposis colorectal neoplasms. Identifiers: MedGen C0009405, MeSH D003123.
MSH6-related disorder. Also called: MSH6-related condition; MSH6-Related disorders.
Hereditary cancer-predisposing syndrome. Also called: Neoplastic Syndromes, Hereditary; Tumor predisposition; Hereditary Cancer Syndrome; Hereditary neoplastic syndrome. Identifiers: Orphanet 140162, MedGen C0027672, MeSH D009386, MONDO:0015356.
Lynch syndrome. Identifiers: Orphanet 144, MedGen C4552100, MONDO:0005835. Disease mechanism: loss of function.
Lynch syndrome 5 (LYNCH5). Also called: Colorectal cancer, hereditary nonpolyposis, type 5; Hereditary non-polyposis colorectal cancer, type 5. Identifiers: Orphanet 144, MedGen C1833477, MONDO:0013710, OMIM 614350. Disease mechanism: loss of function.

Allele frequency attached by ClinVar (database versions not stated): ExAC 0.00001; gnomAD 0.00001; gnomAD exomes 0.00001; TOPMed 0.00002.

Submissions (10):

PreventionGenetics, part of Exact Sciences
Classification: Likely benign for MSH6-related condition. Last evaluated: 2026-07-17. Review status: criteria provided, single submitter. Criteria: ACMG Guidelines, 2015. Collection method: clinical testing. Allele origin: germline.
Comment: This variant is classified as likely benign based on ACMG/AMP sequence variant interpretation guidelines (Richards et al. 2015 PMID: 25741868, with internal and published modifications).

Labcorp Genetics (formerly Invitae), Labcorp
Classification: Benign for Hereditary nonpolyposis colorectal neoplasms. Last evaluated: 2026-01-05. Review status: criteria provided, single submitter. Criteria: Invitae Variant Classification Sherloc (09022015). Collection method: clinical testing. Allele origin: germline.

Quest Diagnostics Nichols Institute San Juan Capistrano
Classification: Uncertain significance. Last evaluated: 2025-02-26. Review status: criteria provided, single submitter. Criteria: Quest Diagnostics criteria. Collection method: clinical testing. Allele origin: unknown.
Comment: The MSH6 c.869T>C (p.Leu290Pro) variant has been reported in an individual with endometrial cancer (PMID: 34115236 (2021)). The frequency of this variant in the general population (Genome Aggregation Database) is uninformative in the assessment of its pathogenicity. Analysis of this variant using bioinformatics tools for the prediction of the effect of amino acid changes on protein structure and function yielded predictions that this variant is benign. Based on the available information, we are unable to determine the clinical significance of this variant.

Myriad Genetics, Inc.
Classification: Likely benign for Lynch syndrome 5. Last evaluated: 2024-12-20. Review status: criteria provided, single submitter. Criteria: Myriad Autosomal Dominant, Autosomal Recessive and X-Linked Classification Criteria (2023). Collection method: clinical testing. Allele origin: unknown.
Comment: This variant is considered likely benign. This variant has been observed in trans with a known pathogenic variant in one or more individuals lacking clinical features consistent with gene-specific recessive disease.

Color Diagnostics, LLC DBA Color Health
Classification: Likely benign for Hereditary cancer-predisposing syndrome. Last evaluated: 2024-10-10. Review status: criteria provided, single submitter. Criteria: ACMG Guidelines, 2015. Collection method: clinical testing. Allele origin: germline.

ARUP Laboratories, Molecular Genetics and Genomics, ARUP Laboratories
Classification: Uncertain significance. Last evaluated: 2024-07-03. Review status: criteria provided, single submitter. Criteria: ARUP Molecular Germline Variant Investigation Process 2024. Collection method: clinical testing. Allele origin: germline.
Comment: The MSH6 c.869T>C; p.Leu290Pro variant (rs751309721, ClinVar Variation ID: 410443) is reported in the literature in and individual affected with endometrial cancer (Makabe 2021). This variant is found in the general population with an overall allele frequency of 0.001% (3/282,552 alleles) in the Genome Aggregation Database (v2.1.1). Computational analyses are uncertain whether this variant is neutral or deleterious (REVEL: 0.194). Due to limited information, the clinical significance of this variant is uncertain at this time. References: Makabe T et al. Incidence of germline variants in Lynch syndrome-related genes among Japanese endometrial cancer patients aged 40 years or younger. Int J Clin Oncol. 2021 Sep;26(9):1767-1774. PMID: 34115236.

All of Us Research Program, National Institutes of Health
Classification: Likely benign for Lynch syndrome. Last evaluated: 2023-05-16. Review status: criteria provided, single submitter. Criteria: ACMG Guidelines, 2015. Collection method: clinical testing. Allele origin: germline. Inheritance: Autosomal dominant inheritance. Observed: 1 variant allele, 1 heterozygote.
Comment: This study involves interpretation of variants in research participants for the purpose of population health screening. Participant phenotype was not available at the time of variant classification. Additional details can be found in publication PMID: 35346344, PMCID: PMC8962531

Sema4
Classification: Uncertain significance for Hereditary cancer-predisposing syndrome. Last evaluated: 2021-08-18. Review status: criteria provided, single submitter. Criteria: Sema4 Curation Guidelines. Collection method: curation. Allele origin: germline.
Comment: The MSH6 c.869T>C (p.L290P) variant has not been reported in the literature to our knowledge. It was observed in 2/35430 chromosomes of the Latino subpopulation in the large and broad cohorts of the Genome Aggregation Database (PMID: 32461654) and has been reported in ClinVar (Variation ID 410443). Functional studies have not been performed, and in silico predictions of the variant's effect on protein function are inconclusive. The evidence is insufficient to meet ACMG/AMP criteria for classifying the variant as benign or pathogenic. Thus, the clinical significance of this variant is currently uncertain.

Genetic Services Laboratory, University of Chicago
Classification: Uncertain significance. Last evaluated: 2019-03-04. Review status: criteria provided, single submitter. Criteria: ACMG Guidelines, 2015. Collection method: clinical testing. Allele origin: germline. Affected: no.

Ambry Genetics
Classification: Likely benign for Hereditary cancer-predisposing syndrome. Last evaluated: 2018-06-27. Review status: criteria provided, single submitter. Criteria: Ambry Variant Classification Scheme 2023. Collection method: clinical testing. Allele origin: germline.

Literature cited by the submitters: PubMed 34115236 (cited by Quest Diagnostics Nichols Institute San Juan Capistrano).

NM_000179.3(MSH6):c.869T>C (p.Leu290Pro)

Gene: MSH6 (mutS homolog 6; plus strand). Cytogenetic location: 2p16.3.
Variant type: single nucleotide variant.
Coding change: c.869T>C on transcript NM_000179.3 (MANE Select); coding-DNA position 869, T replaced by C.
Protein change: p.Leu290Pro; replaces leucine 290 with proline.
Molecular consequence: missense variant. On other transcripts: 5 prime UTR variant (2).
Genome position (GRCh38, 1-based): chr2:47,798,852, T>C. VCF-style: chr2-47798852-T-C. GRCh37 (hg19) VCF-style: chr2-48025991-T-C.
Other names: c.479T>C, p.Leu160Pro (NM_001281492.2); c.-38T>C (NM_001281493.2, NM_001281494.2); short protein forms L290P, L160P.
Identifiers: ClinVar variation 410443 (VCV000410443.32), dbSNP rs751309721, ClinGen allele CA073528.